The following is an entry in ClinVar:

ClinVar aggregate classification (germline): Uncertain significance (1 of 4 stars; one submission).

Conditions:
Hypertrophic cardiomyopathy 14. Identifiers: MedGen C2750467, MONDO:0013197, OMIM 613251.

Submission:

Labcorp Genetics (formerly Invitae), Labcorp
Classification: Uncertain significance for Hypertrophic cardiomyopathy 14. Last evaluated: 2023-01-01. Review status: criteria provided, single submitter. Criteria: Invitae Variant Classification Sherloc (09022015). Collection method: clinical testing. Allele origin: germline.
Comment: In summary, the available evidence is currently insufficient to determine the role of this variant in disease. Therefore, it has been classified as a Variant of Uncertain Significance. Advanced modeling of protein sequence and biophysical properties (such as structural, functional, and spatial information, amino acid conservation, physicochemical variation, residue mobility, and thermodynamic stability) performed at Invitae indicates that this missense variant is not expected to disrupt MYH6 protein function. This variant has not been reported in the literature in individuals affected with MYH6-related conditions. This variant is not present in population databases (gnomAD no frequency). This sequence change replaces methionine, which is neutral and non-polar, with threonine, which is neutral and polar, at codon 547 of the MYH6 protein (p.Met547Thr).

NM_002471.4(MYH6):c.1640T>C (p.Met547Thr)

Gene: MYH6 (myosin heavy chain 6; minus strand). Cytogenetic location: 14q11.2.
Variant type: single nucleotide variant.
Coding change: c.1640T>C on transcript NM_002471.4 (MANE Select); coding-DNA position 1640, T replaced by C.
Protein change: p.Met547Thr; replaces methionine 547 with threonine.
Molecular consequence: missense variant.
Genome position (GRCh38, 1-based): chr14:23,398,979, A>G on the plus strand (T>C on the coding strand, the complement: MYH6 is on the minus strand). VCF-style: chr14-23398979-A-G. GRCh37 (hg19) VCF-style: chr14-23868188-A-G.
Other names: short protein forms M547T.
Identifiers: ClinVar variation 2825682 (VCV002825682.3), dbSNP rs2502187853, ClinGen allele CA389020916.